The following is an entry in ClinVar:

ClinVar aggregate classification (germline): Uncertain significance. Review status: criteria provided, multiple submitters, no conflicts (2 of 4 stars). 2 submissions from 2 submitters: Uncertain significance (2). Last evaluated 2026-04-03.

Submissions (2):

GeneDx
Classification: Uncertain significance. Last evaluated: 2026-04-03. Review status: criteria provided, single submitter. Criteria: GeneDx Variant Classification Process June 2021. Collection method: clinical testing. Allele origin: germline.
Comment: Not observed at significant frequency in large population cohorts (gnomAD); In silico analysis is inconclusive as to whether the variant alters gene splicing. In the absence of RNA/functional studies, the actual effect of this sequence change is unknown; Has not been previously published as pathogenic or benign to our knowledge

Labcorp Genetics (formerly Invitae), Labcorp
Classification: Uncertain significance. Last evaluated: 2024-10-13. Review status: criteria provided, single submitter. Criteria: Invitae Variant Classification Sherloc (09022015). Collection method: clinical testing. Allele origin: germline.
Comment: This sequence change falls in intron 10 of the FRMD7 gene. It does not directly change the encoded amino acid sequence of the FRMD7 protein. This variant is not present in population databases (gnomAD no frequency). This variant has been observed in individual(s) with nystagmus (internal data). Algorithms developed to predict the effect of sequence changes on RNA splicing suggest that this variant may disrupt the consensus splice site. In summary, the available evidence is currently insufficient to determine the role of this variant in disease. Therefore, it has been classified as a Variant of Uncertain Significance.

NM_194277.3(FRMD7):c.975-6T>C

Gene: FRMD7 (FERM domain containing 7; minus strand). Cytogenetic location: Xq26.2.
Variant type: single nucleotide variant.
Coding change: c.975-6T>C on transcript NM_194277.3 (MANE Select); 6 bases into the intron before coding-DNA position 975, T replaced by C.
Molecular consequence: intron variant.
Genome position (GRCh38, 1-based): chrX:132,080,087, A>G on the plus strand (T>C on the coding strand, the complement: FRMD7 is on the minus strand). VCF-style: chrX-132080087-A-G. GRCh37 (hg19) VCF-style: chrX-131214115-A-G.
Other names: c.930-6T>C (NM_001306193.2).
Identifiers: ClinVar variation 3646491 (VCV003646491.4).
Genomic context (GRCh38, chrX:132,080,087, plus strand): 5'-GAGGTCTGGTGAGGACCTGCACTGTCGTTCATGGTACTGAGATGGGTAATGTTTCCTGAA[A>G]TCCCCAAGCAGAGAAGTCATTGAAATGACCTTCATGTGAATACCAGGATACATAGAAATC-3'